The following is an entry in ClinVar:

NM_000135.4(FANCA):c.2901C>T (p.Ser967=)

Gene: FANCA (FA complementation group A; minus strand). Cytogenetic location: 16q24.3.
Variant type: single nucleotide variant.
Coding change: c.2901C>T on transcript NM_000135.4 (MANE Select); coding-DNA position 2901, C replaced by T.
Protein change: p.Ser967=; no amino-acid change (serine 967 retained).
Molecular consequence: synonymous variant.
Genome position (GRCh38, 1-based): chr16:89,758,657, G>A on the plus strand (C>T on the coding strand, the complement: FANCA is on the minus strand). VCF-style: chr16-89758657-G-A. GRCh37 (hg19) VCF-style: chr16-89825065-G-A.
Other names: p.Ser967=; c.2901C>T (LRG_495t1, NM_000135.3); c.2901C>T, p.Ser967= (NM_001286167.3).
Identifiers: ClinVar variation 255251 (VCV000255251.38), dbSNP rs17226980, ClinGen allele CA8251444.

ClinVar aggregate classification (germline): Benign/Likely benign. Review status: criteria provided, multiple submitters, no conflicts (2 of 4 stars). 13 submissions from 13 submitters: Benign (11); Likely benign (1). 1 of the submissions does not count toward it. Last evaluated 2026-06-26.

Conditions:
Fanconi anemia (FA). Also called: Fanconi's anemia. Identifiers: Orphanet 84, MedGen C0015625, MeSH D005199, MONDO:0019391.
Fanconi anemia complementation group A (FANCA). Also called: Fanconi anemia, group A; FANCA-Related Fanconi Anemia. Identifiers: Orphanet 84, MedGen C3469521, MONDO:0009215, OMIM 227650.

Allele frequency attached by ClinVar (database versions not stated): TOPMed 0.05738; gnomAD 0.05869 and 0.05993; ESP Exome Variant Server 0.05940; 1000 Genomes Project 30x 0.06793; 1000 Genomes Project 0.07208; gnomAD exomes 0.07887 and 0.06709; ExAC 0.06553.
gnomAD v4.1: 124,595 of 1,613,924 alleles (7.7%); highest among the groups gnomAD compares: East Asian, 17%; 5,773 homozygotes.

Submissions (13):

Women's Health and Genetics/Laboratory Corporation of America, LabCorp
Classification: Benign. Last evaluated: 2026-06-26. Review status: criteria provided, single submitter. Criteria: LabCorp Variant Classification Summary - May 2015. Collection method: clinical testing. Allele origin: germline.

Labcorp Genetics (formerly Invitae), Labcorp
Classification: Benign for Fanconi anemia. Last evaluated: 2026-02-04. Review status: criteria provided, single submitter. Criteria: Invitae Variant Classification Sherloc (09022015). Collection method: clinical testing. Allele origin: germline.

ARUP Laboratories, Molecular Genetics and Genomics, ARUP Laboratories
Classification: Benign for Fanconi anemia complementation group A. Last evaluated: 2025-07-28. Review status: criteria provided, single submitter. Criteria: ARUP Molecular Germline Variant Investigation Process 2024. Collection method: clinical testing. Allele origin: germline.

GeneKor MSA
Classification: Benign for Fanconi anemia complementation group A. Last evaluated: 2025-07-10. Review status: criteria provided, single submitter. Criteria: ACMG Guidelines, 2015. Collection method: clinical testing. Allele origin: germline.

Blueprint Genetics
Classification: Likely benign. Last evaluated: 2024-11-27. Review status: criteria provided, single submitter. Criteria: ACMG Guidelines, 2015. Collection method: clinical testing. Allele origin: germline.

KCCC/NGS Laboratory, Kuwait Cancer Control Center
Classification: Benign for Fanconi anemia complementation group A. Last evaluated: 2023-07-07. Review status: criteria provided, single submitter. Criteria: ACMG Guidelines, 2015. Collection method: clinical testing. Allele origin: germline. Affected: yes.

Mayo Clinic Laboratories, Mayo Clinic
Classification: Benign. Last evaluated: 2022-09-06. Review status: criteria provided, single submitter. Criteria: ACMG Guidelines, 2015. Collection method: clinical testing. Allele origin: germline. Observed: 188 variant alleles.

Genome-Nilou Lab
Classification: Benign for Fanconi anemia complementation group A. Last evaluated: 2021-07-08. Review status: criteria provided, single submitter. Criteria: ACMG Guidelines, 2015. Collection method: clinical testing. Allele origin: germline. Affected: no.

GeneDx
Classification: Benign. Last evaluated: 2019-02-06. Review status: criteria provided, single submitter. Criteria: GeneDx Variant Classification Process June 2021. Collection method: clinical testing. Allele origin: germline. Affected: yes.

Illumina Laboratory Services, Illumina
Classification: Benign for Fanconi anemia complementation group A. Last evaluated: 2018-01-13. Review status: criteria provided, single submitter. Criteria: ICSL Variant Classification Criteria 13 December 2019. Collection method: clinical testing. Allele origin: germline.
Comment: This variant was observed in the ICSL laboratory as part of a predisposition screen in an ostensibly healthy population. It had not been previously curated by ICSL or reported in the Human Gene Mutation Database (HGMD: prior to June 1st, 2018), and was therefore a candidate for classification through an automated scoring system. Utilizing variant allele frequency, disease prevalence and penetrance estimates, and inheritance mode, an automated score was calculated to assess if this variant is too frequent to cause the disease. Based on the score and internal cut-off values, a variant classified as benign is not then subjected to further curation. The score for this variant resulted in a classification of benign for this disease.

Breakthrough Genomics
Classification: Benign. Review status: criteria provided, single submitter. Criteria: ACMG Guidelines, 2015. Collection method: not provided. Allele origin: germline. Inheritance: Autosomal recessive inheritance. Affected: yes.

PreventionGenetics, part of Exact Sciences
Classification: Benign. Review status: criteria provided, single submitter. Criteria: ACMG Guidelines, 2015. Collection method: clinical testing. Allele origin: germline.

Natera, Inc.
Classification: Benign for Fanconi anemia, group A. Last evaluated: 2020-09-16. Review status: no assertion criteria provided. Collection method: clinical testing. Allele origin: germline. Not counted in ClinVar's aggregate classification.